The following is an entry in ClinVar:

ClinVar aggregate classification (germline): Uncertain significance (1 of 4 stars; one submission).

Conditions:
CEP290-related disorder. Also called: CEP290-related disorders; CEP290-related condition. Identifiers: MedGen CN239314.

Submission:

PreventionGenetics, part of Exact Sciences
Classification: Uncertain significance for CEP290-related condition. Last evaluated: 2025-05-28. Review status: criteria provided, single submitter. Criteria: ACMG Guidelines, 2015. Collection method: clinical testing. Allele origin: germline.
Comment: The CEP290 c.560_561delinsAT variant is predicted to result in an in-frame deletion and insertion. To our knowledge, this variant has not been reported in the literature or in a large population database (gnomAD), indicating this variant is rare. At this time, the clinical significance of this variant is uncertain due to the absence of conclusive functional and genetic evidence.

NM_025114.4(CEP290):c.560_561delinsAT (p.Ile187Asn)

Gene: CEP290 (centrosomal protein 290; minus strand). Cytogenetic location: 12q21.32.
Variant type: Indel.
Coding change: c.560_561delinsAT on transcript NM_025114.4 (MANE Select); coding-DNA positions 560 to 561, TA replaced by AT.
Protein change: p.Ile187Asn; replaces isoleucine 187 with asparagine.
Molecular consequence: missense variant.
Genome position (GRCh38, 1-based): chr12:88,130,376-88,130,377, TA replaced by AT on the plus strand (TA replaced by AT on the coding strand, the reverse complement: CEP290 is on the minus strand). VCF-style: chr12-88130376-TA-AT. GRCh37 (hg19) VCF-style: chr12-88524153-TA-AT.
Other names: short protein forms I187N.
Identifiers: ClinVar variation 5000157 (VCV005000157.1).